The following is an entry in ClinVar:

ClinVar aggregate classification (germline): Likely benign. Review status: criteria provided, multiple submitters, no conflicts (2 of 4 stars). 2 submissions from 2 submitters: Likely benign (2). Last evaluated 2025-11-17.

Conditions:
Melnick-Needles syndrome (MNS). Also called: MELNICK-NEEDLES OSTEODYSPLASTY; Melnick-Needles Syndrome (FLNA-MNS); OSTEODYSPLASTY OF MELNICK AND NEEDLES. Identifiers: Orphanet 2484, MedGen C0025237, MONDO:0010650, OMIM 309350.
Frontometaphyseal dysplasia (FMD1). Identifiers: Orphanet 1826, MedGen C0265293, MONDO:0015942.
Heterotopia, periventricular, X-linked dominant (PVNH1). Also called: PERIVENTRICULAR NODULAR HETEROTOPIA 4; HETEROTOPIA, PERIVENTRICULAR, 1; PERIVENTRICULAR NODULAR HETEROTOPIA 1; X-linked periventricular heterotopia. Identifiers: Orphanet 2149, Orphanet 82004, MedGen C1848213, MONDO:0010233, OMIM 300049.
Oto-palato-digital syndrome, type II (OPD2). Also called: Otopalatodigital Syndrome Type 2 (FLNA-OPD2); FACIOPALATOOSSEOUS SYNDROME; OPD II SYNDROME; Otopalatodigital Syndrome, Type II. Identifiers: Orphanet 669, Orphanet 90652, MedGen C1844696, MONDO:0010571, OMIM 304120.

Allele frequency attached by ClinVar (database versions not stated): gnomAD 0.00005; ESP Exome Variant Server 0.00010; TOPMed 0.00014.
gnomAD v4.1: 58 of 1,206,454 alleles (0.0048%); highest among the groups gnomAD compares: African/African-American, 0.016%; no homozygotes.

Submissions (2):

Labcorp Genetics (formerly Invitae), Labcorp
Classification: Likely benign for Oto-palato-digital syndrome, type II; Heterotopia, periventricular, X-linked dominant; Frontometaphyseal dysplasia; Melnick-Needles syndrome. Last evaluated: 2025-11-17. Review status: criteria provided, single submitter. Criteria: Invitae Variant Classification Sherloc (09022015). Collection method: clinical testing. Allele origin: germline.

GeneDx
Classification: Likely benign. Last evaluated: 2017-08-21. Review status: criteria provided, single submitter. Criteria: GeneDx Variant Classification (06012015). Collection method: clinical testing. Allele origin: germline. Affected: yes.
Comment: This variant is considered likely benign or benign based on one or more of the following criteria: it is a conservative change, it occurs at a poorly conserved position in the protein, it is predicted to be benign by multiple in silico algorithms, and/or has population frequency not consistent with disease.

NM_001110556.2(FLNA):c.373+10G>T

Gene: FLNA (filamin A; minus strand). Cytogenetic location: Xq28.
Variant type: single nucleotide variant.
Coding change: c.373+10G>T on transcript NM_001110556.2 (MANE Select); 10 bases into the intron after coding-DNA position 373, G replaced by T.
Molecular consequence: intron variant.
Genome position (GRCh38, 1-based): chrX:154,370,863, C>A on the plus strand (G>T on the coding strand, the complement: FLNA is on the minus strand). VCF-style: chrX-154370863-C-A. GRCh37 (hg19) VCF-style: chrX-153599231-C-A.
Other names: c.373+10G>T (NM_001456.4).
Identifiers: ClinVar variation 511556 (VCV000511556.9), dbSNP rs368292402, ClinGen allele CA10561443.